The following is an entry in ClinVar:

NM_000528.4(MAN2B1):c.2046+6G>T

Gene: MAN2B1 (mannosidase alpha class 2B member 1; minus strand). Cytogenetic location: 19p13.13.
Variant type: single nucleotide variant.
Coding change: c.2046+6G>T on transcript NM_000528.4 (MANE Select); 6 bases into the intron after coding-DNA position 2046, G replaced by T.
Molecular consequence: intron variant.
Genome position (GRCh38, 1-based): chr19:12,652,147, C>A on the plus strand (G>T on the coding strand, the complement: MAN2B1 is on the minus strand). VCF-style: chr19-12652147-C-A. GRCh37 (hg19) VCF-style: chr19-12762961-C-A.
Other names: c.2043+6G>T (NM_001173498.2).
Identifiers: ClinVar variation 1052014 (VCV001052014.10), dbSNP rs748175413, ClinGen allele CA305464159.
Genomic context (GRCh38, chr19:12,652,147, plus strand): 5'-ACCACCCTCTTGGGCTCCATAACTTCCCCATTCCCAACTGCCCACTCATCATTCCTAGTC[C>A]CTGACCTTCACCAGGTGGATCTGAGCCCAGCGGCTCACAGGCAGCGGTTTCTGTTGGTTG-3'

ClinVar aggregate classification (germline): Uncertain significance. Review status: criteria provided, single submitter (1 of 4 stars). 2 submissions from 2 submitters: Uncertain significance (1). 1 of the submissions does not count toward it. Last evaluated 2021-08-31.

Conditions:
Deficiency of alpha-mannosidase (MANSA). Also called: LYSOSOMAL ALPHA-D-MANNOSIDASE DEFICIENCY; Alpha-Mannosidosis; Mannosidosis, alpha-, types I and II. Identifiers: Orphanet 61, MedGen C0024748, MONDO:0009561, OMIM 248500.

gnomAD v4.1: 13 of 1,611,310 alleles (0.00081%); highest among the groups gnomAD compares: Non-Finnish European, 0.001%; no homozygotes.

Submissions (2):

Labcorp Genetics (formerly Invitae), Labcorp
Classification: Uncertain significance for Deficiency of alpha-mannosidase. Last evaluated: 2021-08-31. Review status: criteria provided, single submitter. Criteria: Invitae Variant Classification Sherloc (09022015). Collection method: clinical testing. Allele origin: germline.
Comment: This sequence change falls in intron 16 of the MAN2B1 gene. It does not directly change the encoded amino acid sequence of the MAN2B1 protein. It affects a nucleotide within the consensus splice site of the intron. This variant is not present in population databases (ExAC no frequency). This variant has not been reported in the literature in individuals affected with MAN2B1-related conditions. Variants that disrupt the consensus splice site are a relatively common cause of aberrant splicing (PMID: 17576681, 9536098). Algorithms developed to predict the effect of sequence changes on RNA splicing suggest that this variant is not likely to affect RNA splicing. In summary, the available evidence is currently insufficient to determine the role of this variant in disease. Therefore, it has been classified as a Variant of Uncertain Significance.

Natera, Inc.
Classification: Uncertain significance for Alpha-mannosidosis. Last evaluated: 2020-10-28. Review status: no assertion criteria provided. Collection method: clinical testing. Allele origin: germline. Not counted in ClinVar's aggregate classification.

Literature cited by the submitters: PubMed 17576681 (cited by Labcorp Genetics (formerly Invitae), Labcorp); PubMed 9536098 (cited by Labcorp Genetics (formerly Invitae), Labcorp).